The following is an entry in ClinVar:

ClinVar aggregate classification (germline): Likely benign (0 of 4 stars; one submission).

Conditions:
WDFY3-related disorder.

Allele frequency attached by ClinVar (database versions not stated): TOPMed 0.00001; ExAC 0.00008.
gnomAD v4.1: 48 of 1,602,988 alleles (0.003%); highest among the groups gnomAD compares: South Asian, 0.042%; 1 homozygote.

Submission:

PreventionGenetics, part of Exact Sciences
Classification: Likely benign for WDFY3-related condition. Last evaluated: 2019-04-25. Review status: no assertion criteria provided. Collection method: clinical testing. Allele origin: germline.
Comment: This variant is classified as likely benign based on ACMG/AMP sequence variant interpretation guidelines (Richards et al. 2015 PMID: 25741868, with internal and published modifications).

NM_014991.6(WDFY3):c.10260-4G>A

Gene: WDFY3 (WD repeat and FYVE domain containing 3; minus strand). Cytogenetic location: 4q21.23.
Variant type: single nucleotide variant.
Coding change: c.10260-4G>A on transcript NM_014991.6 (MANE Select); 4 bases into the intron before coding-DNA position 10260, G replaced by A.
Molecular consequence: intron variant.
Genome position (GRCh38, 1-based): chr4:84,677,400, C>T on the plus strand (G>A on the coding strand, the complement: WDFY3 is on the minus strand). VCF-style: chr4-84677400-C-T. GRCh37 (hg19) VCF-style: chr4-85598553-C-T.
Identifiers: ClinVar variation 3046993 (VCV003046993.2), dbSNP rs749004387, ClinGen allele CA2991953.